The following is an entry in ClinVar:

ClinVar aggregate classification (germline): Uncertain significance. Review status: criteria provided, multiple submitters, no conflicts (2 of 4 stars). 2 submissions from 2 submitters: Uncertain significance (2). Last evaluated 2023-12-29.

Conditions:
Colorectal cancer. Also called: Colorectal cancer, somatic; Malignant Colorectal Neoplasm. Identifiers: MedGen C0346629, MONDO:0005575, OMIM 114500.
Hereditary cancer-predisposing syndrome. Also called: Neoplastic Syndromes, Hereditary; Tumor predisposition; Hereditary Cancer Syndrome; Hereditary neoplastic syndrome. Identifiers: Orphanet 140162, MedGen C0027672, MeSH D009386, MONDO:0015356.

Submissions (2):

Baylor Genetics
Classification: Uncertain significance for Colorectal cancer. Last evaluated: 2023-12-29. Review status: criteria provided, single submitter. Criteria: ACMG Guidelines, 2015. Collection method: clinical testing. Allele origin: unknown.

Ambry Genetics
Classification: Uncertain significance for Hereditary cancer-predisposing syndrome. Last evaluated: 2020-08-04. Review status: criteria provided, single submitter. Criteria: Ambry Variant Classification Scheme 2023. Collection method: clinical testing. Allele origin: germline.
Comment: The p.T235S variant (also known as c.704C>G), located in coding exon 1 of the AXIN2 gene, results from a C to G substitution at nucleotide position 704. The threonine at codon 235 is replaced by serine, an amino acid with similar properties. This amino acid position is not well conserved in available vertebrate species, and serine is the reference amino acid in other vertebrate species. In addition, this alteration is predicted to be tolerated by in silico analysis. Since supporting evidence is limited at this time, the clinical significance of this alteration remains unclear.

NM_004655.4(AXIN2):c.704C>G (p.Thr235Ser)

Gene: AXIN2 (axin 2; minus strand). Cytogenetic location: 17q24.1.
Variant type: single nucleotide variant.
Coding change: c.704C>G on transcript NM_004655.4 (MANE Select); coding-DNA position 704, C replaced by G.
Protein change: p.Thr235Ser; replaces threonine 235 with serine.
Molecular consequence: missense variant.
Genome position (GRCh38, 1-based): chr17:65,557,917, G>C on the plus strand (C>G on the coding strand, the complement: AXIN2 is on the minus strand). VCF-style: chr17-65557917-G-C. GRCh37 (hg19) VCF-style: chr17-63554035-G-C.
Other names: c.704C>G, p.Thr235Ser (NM_001363813.1); short protein forms T235S.
Identifiers: ClinVar variation 1756871 (VCV001756871.3), dbSNP rs776333136, ClinGen allele CA400680446.